The following is an entry in ClinVar:

NM_003483.6(HMGA2):c.199-8A>G

Gene: HMGA2 (high mobility group AT-hook 2; plus strand). Cytogenetic location: 12q14.3.
Variant type: single nucleotide variant.
Coding change: c.199-8A>G on transcript NM_003483.6 (MANE Select); 8 bases into the intron before coding-DNA position 199, A replaced by G.
Molecular consequence: intron variant.
Genome position (GRCh38, 1-based): chr12:65,838,511, A>G. VCF-style: chr12-65838511-A-G. GRCh37 (hg19) VCF-style: chr12-66232291-A-G.
Other names: c.199-8A>G (NM_001300918.1, NM_001300919.1, NM_003484.1 and 1 more transcripts).
Identifiers: ClinVar variation 768565 (VCV000768565.7), dbSNP rs55674630, ClinGen allele CA6671738.
Genomic context (GRCh38, chr12:65,838,511, plus strand): 5'-TCCCTTGGTGCAGTACTTATAAACAATGTCAGGTAGAAAACTATAATGACTTCCTTTTTC[A>G]TTTGCAGAAAGCAGAAGCCACTGGAGAAAAACGGCCAAGAGGCAGACCTAGGAAATGGGT-3'

ClinVar aggregate classification (germline): Benign/Likely benign. Review status: criteria provided, multiple submitters, no conflicts (2 of 4 stars). 3 submissions from 3 submitters: Benign (1); Likely benign (1). 1 of the submissions does not count toward it. Last evaluated 2022-05-17.

Conditions:
Silver-Russell syndrome 5 (SRS5). Identifiers: MedGen C5394456, MONDO:0020795, OMIM 618908.
HMGA2-related disorder. Also called: HMGA2-related condition.

Allele frequency attached by ClinVar (database versions not stated): gnomAD exomes 0.00088 and 0.00223; ExAC 0.00280; gnomAD 0.00930 and 0.01002; ESP Exome Variant Server 0.00938; 1000 Genomes Project 0.01018; TOPMed 0.01042; 1000 Genomes Project 30x 0.01093.
gnomAD v4.1: 2,702 of 1,608,958 alleles (0.17%); highest among the groups gnomAD compares: African/African-American, 3.3%; 49 homozygotes.

Submissions (3):

Fulgent Genetics
Classification: Likely benign for Silver-Russell syndrome 5. Last evaluated: 2022-05-17. Review status: criteria provided, single submitter. Criteria: ACMG Guidelines, 2015. Collection method: clinical testing. Allele origin: unknown.

Labcorp Genetics (formerly Invitae), Labcorp
Classification: Benign. Last evaluated: 2019-12-31. Review status: criteria provided, single submitter. Criteria: Invitae Variant Classification Sherloc (09022015). Collection method: clinical testing. Allele origin: germline.

PreventionGenetics, part of Exact Sciences
Classification: Benign for HMGA2-related condition. Last evaluated: 2019-03-21. Review status: no assertion criteria provided. Collection method: clinical testing. Allele origin: germline. Not counted in ClinVar's aggregate classification.
Comment: This variant is classified as benign based on ACMG/AMP sequence variant interpretation guidelines (Richards et al. 2015 PMID: 25741868, with internal and published modifications).